The following is an entry in ClinVar:

NM_001190790.2(CDRT15L2):c.705C>T (p.Ser235=)

Gene: CDRT15L2 (CMT1A duplicated region transcript 15 like 2; plus strand). Cytogenetic location: 17p11.2.
Variant type: single nucleotide variant.
Coding change: c.705C>T on transcript NM_001190790.2 (MANE Select); coding-DNA position 705, C replaced by T.
Protein change: p.Ser235=; no amino-acid change (serine 235 retained).
Molecular consequence: synonymous variant.
Genome position (GRCh38, 1-based): chr17:20,580,588, C>T. VCF-style: chr17-20580588-C-T. GRCh37 (hg19) VCF-style: chr17-20483901-C-T.
Identifiers: ClinVar variation 2647570 (VCV002647570.24), dbSNP rs142233315, ClinGen allele CA8448322.
Genomic context (GRCh38, chr17:20,580,588, plus strand): 5'-GGGCCTGTTTATTGTGCTAATTCTGGTGGGGTATATCTCTGTGAAGGTGATGCTCAAGAG[C>T]ATTAAAACAAGGCTGGGAAGAAGAGTTCCAGCAGCTCCTCCTGCTCTCAGACGCAATCTT-3'
Protein context (NP_001177719.1, residues 225-245): GYISVKVMLK[Ser235=]IKTRLGRRVP

ClinVar aggregate classification (germline): Likely benign (1 of 4 stars; one submission).

Allele frequency attached by ClinVar (database versions not stated): gnomAD exomes 0.00052; ExAC 0.00143; gnomAD 0.00239; 1000 Genomes Project 30x 0.00281; TOPMed 0.00287; 1000 Genomes Project 0.00319.

Submission:

CeGaT Center for Human Genetics Tuebingen
Classification: Likely benign. Last evaluated: 2023-02-01. Review status: criteria provided, single submitter. Criteria: CeGaT Center For Human Genetics Tuebingen Variant Classification Criteria Version 2. Collection method: clinical testing. Allele origin: germline. Affected: yes. Observed: 1 variant allele.
Comment: CDRT15L2: BP4, BP7, BS2